The following is an entry in ClinVar:

ClinVar aggregate classification (germline): Uncertain significance (1 of 4 stars; one submission).

Conditions:
Maturity-onset diabetes of the young (MODY). Also called: Maturity onset diabetes mellitus in young. Identifiers: Orphanet 552, MedGen C0342276, MONDO:0018911, HP:0004904.

Submission:

Clinical Genomics, Uppaluri K&H Personalized Medicine Clinic
Classification: Uncertain significance for Maturity-onset diabetes of the young. Review status: criteria provided, single submitter. Criteria: K&H Uppaluri Personalized Medicine Clinic Variant Classification & Assertion Criteria. Collection method: research. Allele origin: somatic. Inheritance: Autosomal dominant inheritance.
Comment: Mutations in KCNJ11 gene can cause decreased production and secretion of insulin. This can lead to MODY which is responsive to oral sulfonylureas. It is also associated with Neonatal Diabetes. However, no sufficient evidence is found to ascertain the role of rs761575495 variant in Diabetes Mellitus yet.

Literature cited by the submitters: PubMed 26448950; PubMed 15580558; PubMed 15718250.

NM_000525.4(KCNJ11):c.905C>A (p.Thr302Asn)

Gene: KCNJ11 (potassium inwardly rectifying channel subfamily J member 11; minus strand). Cytogenetic location: 11p15.1.
Variant type: single nucleotide variant.
Coding change: c.905C>A on transcript NM_000525.4 (MANE Select); coding-DNA position 905, C replaced by A.
Protein change: p.Thr302Asn; replaces threonine 302 with asparagine.
Molecular consequence: missense variant.
Genome position (GRCh38, 1-based): chr11:17,387,187, G>T on the plus strand (C>A on the coding strand, the complement: KCNJ11 is on the minus strand). VCF-style: chr11-17387187-G-T. GRCh37 (hg19) VCF-style: chr11-17408734-G-T.
Other names: c.644C>A, p.Thr215Asn (NM_001166290.2, NM_001377296.1, NM_001377297.1); short protein forms T215N, T302N.
Identifiers: ClinVar variation 1679202 (VCV001679202.1), dbSNP rs761575495, ClinGen allele CA218399442.